The following is an entry in ClinVar:

ClinVar aggregate classification (germline): Uncertain significance (1 of 4 stars; one submission).

Conditions:
Paragangliomas with sensorineural hearing loss. Identifiers: MedGen C1868633.
Cowden syndrome 3 (CWS3). Identifiers: Orphanet 201, MedGen CN166604, MONDO:0014045.
Pheochromocytoma. Also called: MAX-Related Hereditary Paraganglioma-Pheochromocytoma Syndrome. Identifiers: Orphanet 29072, MedGen C0031511, MONDO:0008233, OMIM 171300, HP:0002666.
Carney-Stratakis syndrome. Also called: PARAGANGLIOMA AND GASTROINTESTINAL STROMAL TUMOR. Identifiers: Orphanet 97286, MedGen C1847319, MONDO:0011740, OMIM 606864.

Submission:

Labcorp Genetics (formerly Invitae), Labcorp
Classification: Uncertain significance for Carney-Stratakis syndrome; Paragangliomas with sensorineural hearing loss; Pheochromocytoma; Cowden syndrome 3. Last evaluated: 2021-05-05. Review status: criteria provided, single submitter. Criteria: Invitae Variant Classification Sherloc (09022015). Collection method: clinical testing. Allele origin: germline.
Comment: This variant is not present in population databases (ExAC no frequency). This variant has not been reported in the literature in individuals with SDHD-related conditions. This sequence change replaces isoleucine with methionine at codon 40 of the SDHD protein (p.Ile40Met). The isoleucine residue is weakly conserved and there is a small physicochemical difference between isoleucine and methionine. Advanced modeling of protein sequence and biophysical properties (such as structural, functional, and spatial information, amino acid conservation, physicochemical variation, residue mobility, and thermodynamic stability) performed at Invitae indicates that this missense variant is not expected to disrupt SDHD protein function. In summary, the available evidence is currently insufficient to determine the role of this variant in disease. Therefore, it has been classified as a Variant of Uncertain Significance.

NM_003002.4(SDHD):c.120C>G (p.Ile40Met)

Gene: SDHD (succinate dehydrogenase complex subunit D; plus strand). Cytogenetic location: 11q23.1.
Variant type: single nucleotide variant.
Coding change: c.120C>G on transcript NM_003002.4 (MANE Select); coding-DNA position 120, C replaced by G.
Protein change: p.Ile40Met; replaces isoleucine 40 with methionine.
Molecular consequence: missense variant. On other transcripts: non-coding transcript variant (1), intron variant (1).
Genome position (GRCh38, 1-based): chr11:112,087,924, C>G. VCF-style: chr11-112087924-C-G. GRCh37 (hg19) VCF-style: chr11-111958648-C-G.
Other names: c.120C>G, p.Ile40Met (NM_001276503.2, NM_001276506.2); c.53-943C>G (NM_001276504.2); short protein forms I40M.
Identifiers: ClinVar variation 1380108 (VCV001380108.8), dbSNP rs2135267285, ClinGen allele CA382617027.